The following is an entry in ClinVar:

ClinVar aggregate classification (germline): Uncertain significance (1 of 4 stars; one submission).

Conditions:
Malignant hyperthermia, susceptibility to, 1 (MHS1). Also called: RYR1-Related Malignant Hyperthermia Susceptibility; Malignant hyperthermia suceptibility 1; Anesthesia related hyperthermia; Malignant hyperpyrexia; Fulminating hyperpyrexia; Pharmacogenic myopathy. Identifiers: Orphanet 423, MedGen C2930980, MONDO:0007783, OMIM 145600.

Submission:

Color Diagnostics, LLC DBA Color Health
Classification: Uncertain significance for Malignant hyperthermia, susceptibility to, 1. Last evaluated: 2025-10-27. Review status: criteria provided, single submitter. Criteria: ACMG Guidelines, 2015. Collection method: clinical testing. Allele origin: germline.
Comment: This missense variant replaces glutamic acid with glutamine at codon 1621 of the RYR1 protein. Computational prediction suggests that this variant may have deleterious impact on protein structure and function. To our knowledge, functional studies have not been reported for this variant. This variant has not been reported in individuals affected with RYR1-related disorders in the literature. This variant has not been identified in the general population by the Genome Aggregation Database (gnomAD). The available evidence is insufficient to determine the role of this variant in disease conclusively. Therefore, this variant is classified as a Variant of Uncertain Significance.

NM_000540.3(RYR1):c.4861G>C (p.Glu1621Gln)

Gene: RYR1 (ryanodine receptor 1; plus strand). Cytogenetic location: 19q13.2.
Variant type: single nucleotide variant.
Coding change: c.4861G>C on transcript NM_000540.3 (MANE Select); coding-DNA position 4861, G replaced by C.
Protein change: p.Glu1621Gln; replaces glutamic acid 1621 with glutamine.
Molecular consequence: missense variant.
Genome position (GRCh38, 1-based): chr19:38,483,443, G>C. VCF-style: chr19-38483443-G-C. GRCh37 (hg19) VCF-style: chr19-38974083-G-C.
Other names: c.4861G>C, p.Glu1621Gln (NM_001042723.2); short protein forms E1621Q.
Identifiers: ClinVar variation 4758136 (VCV004758136.1).